The following is an entry in ClinVar:

NM_001330700.2(TOP2B):c.131A>C (p.Asp44Ala)

Gene: TOP2B (DNA topoisomerase II beta; minus strand). Cytogenetic location: 3p24.2.
Variant type: single nucleotide variant.
Coding change: c.131A>C on transcript NM_001330700.2 (MANE Select); coding-DNA position 131, A replaced by C.
Protein change: p.Asp44Ala; replaces aspartic acid 44 with alanine.
Molecular consequence: missense variant.
Genome position (GRCh38, 1-based): chr3:25,645,409, T>G on the plus strand (A>C on the coding strand, the complement: TOP2B is on the minus strand). VCF-style: chr3-25645409-T-G. GRCh37 (hg19) VCF-style: chr3-25686900-T-G.
Other names: c.116A>C, p.Asp39Ala (NM_001068.3); short protein forms D39A, D44A.
Identifiers: ClinVar variation 1473725 (VCV001473725.8), dbSNP rs753885014, ClinGen allele CA2288970.

ClinVar aggregate classification (germline): Uncertain significance (1 of 4 stars; one submission).

Allele frequency attached by ClinVar (database versions not stated): TOPMed below 0.00001; gnomAD 0.00001; gnomAD exomes 0.00001; ExAC 0.00002.
gnomAD v4.1: 4 of 1,613,756 alleles (0.00025%); highest among the groups gnomAD compares: Non-Finnish European, 0.00034%; no homozygotes.

Submission:

Labcorp Genetics (formerly Invitae), Labcorp
Classification: Uncertain significance. Last evaluated: 2021-03-21. Review status: criteria provided, single submitter. Criteria: Invitae Variant Classification Sherloc (09022015). Collection method: clinical testing. Allele origin: germline.
Comment: Algorithms developed to predict the effect of missense changes on protein structure and function (SIFT, PolyPhen-2, Align-GVGD) all suggest that this variant is likely to be tolerated, but these predictions have not been confirmed by published functional studies and their clinical significance is uncertain. This sequence change replaces aspartic acid with alanine at codon 39 of the TOP2B protein (p.Asp39Ala). The aspartic acid residue is moderately conserved and there is a moderate physicochemical difference between aspartic acid and alanine. This variant is present in population databases (rs753885014, ExAC 0.005%). This variant has not been reported in the literature in individuals with TOP2B-related conditions. In summary, the available evidence is currently insufficient to determine the role of this variant in disease. Therefore, it has been classified as a Variant of Uncertain Significance.